The following is an entry in ClinVar:

ClinVar aggregate classification (germline): Pathogenic/Likely pathogenic. Review status: criteria provided, multiple submitters, no conflicts (2 of 4 stars). 2 submissions from 2 submitters: Pathogenic (1); Likely pathogenic (1). Last evaluated 2019-08-23.

Conditions:
Hereditary nonpolyposis colorectal neoplasms. Identifiers: MedGen C0009405, MeSH D003123.
Hereditary cancer-predisposing syndrome. Also called: Tumor predisposition; Hereditary neoplastic syndrome; Neoplastic Syndromes, Hereditary; Hereditary Cancer Syndrome. Identifiers: Orphanet 140162, MedGen C0027672, MeSH D009386, MONDO:0015356.

Submissions (2):

Labcorp Genetics (formerly Invitae), Labcorp
Classification: Pathogenic for Hereditary nonpolyposis colorectal neoplasms. Last evaluated: 2019-08-23. Review status: criteria provided, single submitter. Criteria: Invitae Variant Classification Sherloc (09022015). Collection method: clinical testing. Allele origin: germline.
Comment: For these reasons, this variant has been classified as Pathogenic. Loss-of-function variants in PMS2 are known to be pathogenic (PMID: 21376568, 24362816). This variant has not been reported in the literature in individuals with PMS2-related conditions. This variant is not present in population databases (ExAC no frequency). This sequence change creates a premature translational stop signal (p.Val302Glyfs*7) in the PMS2 gene. It is expected to result in an absent or disrupted protein product.

Ambry Genetics
Classification: Likely pathogenic for Hereditary cancer-predisposing syndrome. Last evaluated: 2019-03-13. Review status: criteria provided, single submitter. Criteria: Ambry Variant Classification Scheme 2023. Collection method: clinical testing. Allele origin: germline.
Comment: The c.902dupA variant, located in coding exon 8 of the PMS2 gene, results from a duplication of A at nucleotide position 902, causing a translational frameshift with a predicted alternate stop codon (p.V302Gfs*7). This alteration is expected to result in loss of function by premature protein truncation or nonsense-mediated mRNA decay. As such, this alteration is interpreted as a disease-causing mutation.

Literature cited by the submitters: PubMed 21376568 (cited by Labcorp Genetics (formerly Invitae), Labcorp); PubMed 24362816 (cited by Labcorp Genetics (formerly Invitae), Labcorp).

NM_000535.7(PMS2):c.902dup (p.Val302fs)

Gene: PMS2 (PMS1 homolog 2, mismatch repair system component; minus strand). Cytogenetic location: 7p22.1.
Variant type: Duplication.
Coding change: c.902dup on transcript NM_000535.7 (MANE Select); coding-DNA position 902, one base duplicated (A; older notation c.902dupA).
Protein change: p.Val302fs; shifts the reading frame from valine 302.
Molecular consequence: frameshift variant. On other transcripts: 5 prime UTR variant (2), non-coding transcript variant (1).
Genome position (GRCh38, 1-based): chr7:5,995,535, T duplicated on the plus strand (A on the coding strand, the reverse complement: PMS2 is on the minus strand); the first of 3 consecutive T bases (chr7:5,995,535-5,995,537); duplicating any one gives the same sequence. VCF-style (leftmost placement, unchanged base first): chr7-5995534-C-CT. GRCh37 (hg19) VCF-style: chr7-6035165-C-CT.
Other names: c.497dup, p.Val167fs (NM_001322003.2, NM_001322004.2, NM_001322005.2 and 2 more transcripts); c.902dup, p.Val302fs (NM_001322006.2, NM_001322014.2); c.584dup, p.Val196fs (NM_001322007.2, NM_001322008.2); c.-32dup (NM_001322011.2, NM_001322012.2); c.329dup, p.Val111fs (NM_001322013.2); c.593dup, p.Val199fs (NM_001322015.2); c.902dupA (NM_000535.5); short protein forms V196fs, V199fs, V111fs, V167fs, V302fs.
Identifiers: ClinVar variation 958439 (VCV000958439.10), dbSNP rs1784291698, ClinGen allele CA1139659569.
Genomic context (GRCh38, chr7:5,995,534, plus strand): 5'-AGTTATCAATTAAAAGTCAAAGGCATAAAGAACAAACTAACACAAAAAAATTTTAAATAC[C>CT]TTTGCTGGGTCACAAGGCCGCCGGTTGATAAAGAAAAACTGTCTGTCTGTTGAACTCCTT-3'